The following is an entry in ClinVar:

ClinVar aggregate classification (germline): Pathogenic (1 of 4 stars; one submission).

Conditions:
Hereditary nonpolyposis colorectal neoplasms. Identifiers: MedGen C0009405, MeSH D003123.

Submission:

Labcorp Genetics (formerly Invitae), Labcorp
Classification: Pathogenic for Hereditary nonpolyposis colorectal neoplasms. Last evaluated: 2024-10-07. Review status: criteria provided, single submitter. Criteria: Invitae Variant Classification Sherloc (09022015). Collection method: clinical testing. Allele origin: germline.
Comment: This sequence change creates a premature translational stop signal (p.Glu810*) in the MSH6 gene. It is expected to result in an absent or disrupted protein product. Loss-of-function variants in MSH6 are known to be pathogenic (PMID: 18269114, 24362816). This variant is not present in population databases (gnomAD no frequency). This variant has not been reported in the literature in individuals affected with MSH6-related conditions. For these reasons, this variant has been classified as Pathogenic.

Literature cited by the submitters: PubMed 18269114; PubMed 24362816.

NM_000179.3(MSH6):c.2428G>T (p.Glu810Ter)

Gene: MSH6 (mutS homolog 6; plus strand). Cytogenetic location: 2p16.3.
Variant type: single nucleotide variant.
Coding change: c.2428G>T on transcript NM_000179.3 (MANE Select); coding-DNA position 2428, G replaced by T.
Protein change: p.Glu810Ter; replaces glutamic acid 810 with a stop codon.
Molecular consequence: nonsense. On other transcripts: non-coding transcript variant (5), intron variant (3).
Genome position (GRCh38, 1-based): chr2:47,800,411, G>T. VCF-style: chr2-47800411-G-T. GRCh37 (hg19) VCF-style: chr2-48027550-G-T.
Other names: c.1522G>T, p.Glu508Ter (NM_001406823.1, NM_001406829.1, NM_001281493.2 and 6 more transcripts); c.2131G>T, p.Glu711Ter (NM_001406824.1, NM_001406825.1, NM_001406827.1 and 10 more transcripts); c.2260G>T, p.Glu754Ter (NM_001406826.1); c.2308+120G>T (NM_001406803.1); c.1606+822G>T (NM_001406817.1); c.628-255G>T (NM_001407362.1); c.2038G>T, p.Glu680Ter (NM_001281492.2); c.2524G>T, p.Glu842Ter (NM_001406795.1, NM_001406802.1); and 4 more; short protein forms E842*, E635*, E810*, E812*, E508*, E711*, E784*, E680*.
Identifiers: ClinVar variation 2713865 (VCV002713865.3), dbSNP rs763248984, ClinGen allele CA346754025.